The following is an entry in ClinVar:

NM_001148.6(ANK2):c.1100C>G (p.Thr367Arg)

Gene: ANK2 (ankyrin 2; plus strand). Cytogenetic location: 4q26.
Variant type: single nucleotide variant.
Coding change: c.1100C>G on transcript NM_001148.6 (MANE Select); coding-DNA position 1100, C replaced by G.
Protein change: p.Thr367Arg; replaces threonine 367 with arginine.
Molecular consequence: missense variant.
Genome position (GRCh38, 1-based): chr4:113,255,844, C>G. VCF-style: chr4-113255844-C-G. GRCh37 (hg19) VCF-style: chr4-114177000-C-G.
Other names: c.1037C>G, p.Thr346Arg (NM_001127493.3, NM_001354239.2, NM_001354243.2 and 14 more transcripts); c.1100C>G, p.Thr367Arg (NM_001354225.2, NM_001354228.2, NM_001354232.2 and 9 more transcripts); c.1145C>G, p.Thr382Arg (NM_001354230.2, NM_001354231.2, NM_001354237.2 and 5 more transcripts); c.1013C>G, p.Thr338Arg (NM_001354249.2, NM_001354260.2, NM_001354264.2 and 16 more transcripts); c.1058C>G, p.Thr353Arg (NM_001354261.2, NM_001386147.1, NM_001386160.1); c.1088C>G, p.Thr363Arg (NM_001354269.3, NM_001386148.2, NM_001386186.2); c.1151C>G, p.Thr384Arg (NM_001386174.1); c.1127C>G, p.Thr376Arg (NM_001386175.1); and 1 more; short protein forms T338R, T346R, T353R, T355R, T363R, T367R, T376R, T382R.
Identifiers: ClinVar variation 1318645 (VCV001318645.2), dbSNP rs2153626697, ClinGen allele CA357926711.

ClinVar aggregate classification (germline): Uncertain significance (1 of 4 stars; one submission).

Submission:

GeneDx
Classification: Uncertain significance. Last evaluated: 2021-04-02. Review status: criteria provided, single submitter. Criteria: GeneDx Variant Classification Process June 2021. Collection method: clinical testing. Allele origin: germline. Affected: yes.
Comment: Not observed in large population cohorts (Lek et al., 2016); In silico analysis supports that this missense variant has a deleterious effect on protein structure/function; Has not been previously published as pathogenic or benign to our knowledge